The following is an entry in ClinVar:

ClinVar aggregate classification (germline): Uncertain significance (1 of 4 stars; one submission).

Submission:

Labcorp Genetics (formerly Invitae), Labcorp
Classification: Uncertain significance. Last evaluated: 2024-05-06. Review status: criteria provided, single submitter. Criteria: Invitae Variant Classification Sherloc (09022015). Collection method: clinical testing. Allele origin: germline.
Comment: This sequence change falls in intron 1 of the SMARCB1 gene. It does not directly change the encoded amino acid sequence of the SMARCB1 protein. Information on the frequency of this variant in the gnomAD database is not available, as this variant may be reported differently in the database. This variant has not been reported in the literature in individuals affected with SMARCB1-related conditions. Experimental studies and prediction algorithms are not available or were not evaluated, and the effect of this variant on mRNA splicing is currently unknown. In summary, the available evidence is currently insufficient to determine the role of this variant in disease. Therefore, it has been classified as a Variant of Uncertain Significance.

NM_003073.5(SMARCB1):c.93+11_93+12delinsAT

Gene: SMARCB1 (SWI/SNF related BAF chromatin remodeling complex subunit B1; plus strand). Cytogenetic location: 22q11.23.
Variant type: Indel.
Coding change: c.93+11_93+12delinsAT on transcript NM_003073.5 (MANE Select); bases 11 to 12 of the intron after coding-DNA position 93, GC replaced by AT.
Molecular consequence: intron variant.
Genome position (GRCh38, 1-based): chr22:23,787,273-23,787,274, GC replaced by AT. VCF-style: chr22-23787273-GC-AT. GRCh37 (hg19) VCF-style: chr22-24129460-GC-AT.
Other names: c.93+11_93+12delinsAT (NM_001362877.2, NM_001317946.2, NM_001007468.3).
Identifiers: ClinVar variation 3652287 (VCV003652287.2).